The following is an entry in ClinVar:

NM_001008216.2(GALE):c.749del (p.Gly250fs)

Gene: GALE (UDP-galactose-4-epimerase; minus strand). Cytogenetic location: 1p36.11.
Variant type: Deletion.
Coding change: c.749del on transcript NM_001008216.2 (MANE Select); coding-DNA position 749, one base deleted (G; older notation c.749delG).
Protein change: p.Gly250fs; shifts the reading frame from glycine 250.
Molecular consequence: frameshift variant.
Genome position (GRCh38, 1-based): chr1:23,796,743, C deleted on the plus strand (G on the coding strand, the reverse complement: GALE is on the minus strand); the first of 3 consecutive C bases (chr1:23,796,743-23,796,745); deleting any one gives the same sequence. VCF-style (leftmost placement, unchanged base first): chr1-23796742-GC-G. GRCh37 (hg19) VCF-style: chr1-24123232-GC-G.
Other names: c.749del, p.Gly250fs (NM_000403.4, NM_001127621.2); short protein forms G250fs.
Identifiers: ClinVar variation 664655 (VCV000664655.12), dbSNP rs1570630665, ClinGen allele CA915941175.
Genomic context (GRCh38, chr1:23,796,742, plus strand): 5'-CCCTTCTCTTCCTACCCGGCAGCCACACTGTTCTTTCAGCTTCCTTAAGGCTGCAATGTG[GC>G]CCTTGGCCAGATCCACGACATGGATGTAATCCCGGACACCTGCAGAGAAGGGAGTGTGTT-3'

ClinVar aggregate classification (germline): Pathogenic/Likely pathogenic. Review status: criteria provided, multiple submitters, no conflicts (2 of 4 stars). 2 submissions from 2 submitters: Pathogenic (1); Likely pathogenic (1). Last evaluated 2022-05-20.

Conditions:
UDPglucose-4-epimerase deficiency. Also called: UDP-GALACTOSE-4-EPIMERASE DEFICIENCY; Galactose epimerase deficiency; GALACTOSEMIA III; GALE DEFICIENCY; Epimerase Deficiency Galactosemia; UDPglucose 4-Epimerase Deficiency Disease. Identifiers: Orphanet 352, Orphanet 79238, MedGen C0751161, MONDO:0009257, OMIM 230350.

Submissions (2):

Fulgent Genetics
Classification: Likely pathogenic for UDPglucose-4-epimerase deficiency. Last evaluated: 2022-05-20. Review status: criteria provided, single submitter. Criteria: ACMG Guidelines, 2015. Collection method: clinical testing. Allele origin: unknown.

Labcorp Genetics (formerly Invitae), Labcorp
Classification: Pathogenic for UDPglucose-4-epimerase deficiency. Last evaluated: 2019-02-12. Review status: criteria provided, single submitter. Criteria: Invitae Variant Classification Sherloc (09022015). Collection method: clinical testing. Allele origin: germline.
Comment: For these reasons, this variant has been classified as Pathogenic. Loss-of-function variants in GALE are known to be pathogenic (PMID: 16301867). This variant is not present in population databases (ExAC no frequency). This sequence change creates a premature translational stop signal (p.Gly250Alafs*6) in the GALE gene. It is expected to result in an absent or disrupted protein product.

Literature cited by the submitters: PubMed 16301867 (cited by Labcorp Genetics (formerly Invitae), Labcorp).